The following is an entry in ClinVar:

NM_001035.3(RYR2):c.8785C>T (p.Leu2929Phe)

Gene: RYR2 (ryanodine receptor 2; plus strand). Cytogenetic location: 1q43.
Variant type: single nucleotide variant.
Coding change: c.8785C>T on transcript NM_001035.3 (MANE Select); coding-DNA position 8785, C replaced by T.
Protein change: p.Leu2929Phe; replaces leucine 2929 with phenylalanine.
Molecular consequence: missense variant.
Genome position (GRCh38, 1-based): chr1:237,674,801, C>T. VCF-style: chr1-237674801-C-T. GRCh37 (hg19) VCF-style: chr1-237838101-C-T.
Other names: short protein forms L2929F.
Identifiers: ClinVar variation 1486545 (VCV001486545.7), dbSNP rs2148911764, ClinGen allele CA345403345.

ClinVar aggregate classification (germline): Uncertain significance (1 of 4 stars; one submission).

Conditions:
Catecholaminergic polymorphic ventricular tachycardia 1. Also called: VENTRICULAR TACHYCARDIA, CATECHOLAMINERGIC POLYMORPHIC, 1, WITH OR WITHOUT ATRIAL DYSFUNCTION AND/OR DILATED CARDIOMYOPATHY; VENTRICULAR TACHYCARDIA, STRESS-INDUCED POLYMORPHIC 1; RYR2-Related Catecholaminergic Polymorphic Ventricular Tachycardia. Identifiers: Orphanet 3286, MedGen C1631597, MONDO:0011484, OMIM 604772.

Submission:

Labcorp Genetics (formerly Invitae), Labcorp
Classification: Uncertain significance for Catecholaminergic polymorphic ventricular tachycardia 1. Last evaluated: 2023-08-04. Review status: criteria provided, single submitter. Criteria: Invitae Variant Classification Sherloc (09022015). Collection method: clinical testing. Allele origin: germline.
Comment: This variant has not been reported in the literature in individuals affected with RYR2-related conditions. In summary, the available evidence is currently insufficient to determine the role of this variant in disease. Therefore, it has been classified as a Variant of Uncertain Significance. Advanced modeling of protein sequence and biophysical properties (such as structural, functional, and spatial information, amino acid conservation, physicochemical variation, residue mobility, and thermodynamic stability) performed at Invitae indicates that this missense variant is not expected to disrupt RYR2 protein function. ClinVar contains an entry for this variant (Variation ID: 1486545). This variant is not present in population databases (gnomAD no frequency). This sequence change replaces leucine, which is neutral and non-polar, with phenylalanine, which is neutral and non-polar, at codon 2929 of the RYR2 protein (p.Leu2929Phe).